The following is an entry in ClinVar:

NM_001267550.2(TTN):c.32186C>T (p.Thr10729Met)

Gene: TTN (titin; minus strand). Cytogenetic location: 2q31.2.
Variant type: single nucleotide variant.
Coding change: c.32186C>T on transcript NM_001267550.2 (MANE Select); coding-DNA position 32186, C replaced by T.
Protein change: p.Thr10729Met; replaces threonine 10729 with methionine.
Molecular consequence: missense variant. On other transcripts: intron variant (3).
Genome position (GRCh38, 1-based): chr2:178,688,688, G>A on the plus strand (C>T on the coding strand, the complement: TTN is on the minus strand). VCF-style: chr2-178688688-G-A. GRCh37 (hg19) VCF-style: chr2-179553415-G-A.
Other names: p.T10412M:ACG>ATG; c.13283-46371C>T (NM_003319.4); c.13859-46371C>T (NM_133437.4); c.13658-46371C>T (NM_133432.3); c.31235C>T, p.Thr10412Met (NM_001256850.1); c.28454C>T, p.Thr9485Met (NM_133378.4); short protein forms T10729M, T9485M, T10412M.
Identifiers: ClinVar variation 46860 (VCV000046860.30), dbSNP rs115119858, ClinGen allele CA139379.
Genomic context (GRCh38, chr2:178,688,688, plus strand): 5'-TGAGGAAACACACACAAACTCATTTATCCCCTGACTTCCGATTATATACCTTCGTGCCGC[G>A]TGACTTCCACTCTTTGAGGAACTGCGAAGGATAGTTTTTCTTCAGCAACAAATCTCTTTT-3'
Protein context (NP_001254479.2, residues 10719-10739): SFAVPQRVEV[Thr10729Met]RHEVSAEEEW

ClinVar aggregate classification (germline): Conflicting classifications of pathogenicity. Review status: criteria provided, conflicting classifications (1 of 4 stars). 11 submissions from 11 submitters: Uncertain significance (2); Benign (2); Likely benign (6). 1 of the submissions does not count toward it. Last evaluated 2026-02-03.

Conditions:
Early-onset myopathy with fatal cardiomyopathy (CMYO5). Also called: Salih Myopathy; CONGENITAL MYOPATHY 5 WITH CARDIOMYOPATHY. Identifiers: Orphanet 289377, MedGen C2673677, MONDO:0012714, OMIM 611705. Disease mechanism: loss of function.
Dilated cardiomyopathy 1G (CMD1G). Identifiers: Orphanet 154, MedGen C1858763, MONDO:0011400, OMIM 604145.
Hypertrophic cardiomyopathy 9. Also called: Familial hypertrophic cardiomyopathy 9. Identifiers: MedGen C1861065, MONDO:0013412, OMIM 613765.
TTN-related disorder. Also called: TTN-related disorders; TTN-related condition; TTN-related disease.
Cardiovascular phenotype. Identifiers: MedGen CN230736.
Autosomal recessive limb-girdle muscular dystrophy type 2J (LGMDR10). Also called: Limb-girdle muscular dystrophy, type 2J; MUSCULAR DYSTROPHY, LIMB-GIRDLE, AUTOSOMAL RECESSIVE 10. Identifiers: Orphanet 140922, MedGen C1837342, MONDO:0012127, OMIM 608807.
Cardiomyopathy (CMYO). Also called: Cardiomyopathies. Identifiers: Orphanet 167848, MedGen C0878544, MONDO:0004994, HP:0001638. Inheritance: Various modes of inheritance.

Allele frequency attached by ClinVar (database versions not stated): gnomAD exomes 0.00024; ExAC 0.00033; 1000 Genomes Project 0.00080; gnomAD 0.00112 and 0.00125; TOPMed 0.00124; 1000 Genomes Project 30x 0.00125; ESP Exome Variant Server 0.00125.
gnomAD v4.1: 334 of 1,612,070 alleles (0.021%); highest among the groups gnomAD compares: African/African-American, 0.41%; no homozygotes.

Submissions (11):

Labcorp Genetics (formerly Invitae), Labcorp
Classification: Likely benign for Dilated cardiomyopathy 1G; Autosomal recessive limb-girdle muscular dystrophy type 2J. Last evaluated: 2026-02-03. Review status: criteria provided, single submitter. Criteria: Invitae Variant Classification Sherloc (09022015). Collection method: clinical testing. Allele origin: germline.

ARUP Laboratories, Molecular Genetics and Genomics, ARUP Laboratories
Classification: Likely benign. Last evaluated: 2025-03-26. Review status: criteria provided, single submitter. Criteria: ARUP Molecular Germline Variant Investigation Process 2024. Collection method: clinical testing. Allele origin: germline.

Blueprint Genetics
Classification: Likely benign. Last evaluated: 2024-08-21. Review status: criteria provided, single submitter. Criteria: ACMG Guidelines, 2015. Collection method: clinical testing. Allele origin: germline.

CHEO Genetics Diagnostic Laboratory, Children's Hospital of Eastern Ontario
Classification: Benign for Cardiomyopathy. Last evaluated: 2020-12-11. Review status: criteria provided, single submitter. Criteria: ACMG Guidelines, 2015. Collection method: clinical testing. Allele origin: germline.

Athena Diagnostics
Classification: Benign. Last evaluated: 2020-02-17. Review status: criteria provided, single submitter. Criteria: Athena Diagnostics Criteria. Collection method: clinical testing. Allele origin: unknown.

New York Genome Center
Classification: Uncertain significance for Hypertrophic cardiomyopathy 9; Early-onset myopathy with fatal cardiomyopathy; Dilated cardiomyopathy 1G. Last evaluated: 2019-07-12. Review status: criteria provided, single submitter. Criteria: NYGC Assertion Criteria 2020. Collection method: clinical testing. Allele origin: germline. Observed: 1 heterozygote. Study: CSER-NYCKidSeq.

GeneDx
Classification: Likely benign. Last evaluated: 2017-10-23. Review status: criteria provided, single submitter. Criteria: GeneDx Variant Classification (06012015). Collection method: clinical testing. Allele origin: germline. Affected: yes.
Comment: This variant is considered likely benign or benign based on one or more of the following criteria: it is a conservative change, it occurs at a poorly conserved position in the protein, it is predicted to be benign by multiple in silico algorithms, and/or has population frequency not consistent with disease.

Eurofins Ntd Llc (ga)
Classification: Likely benign. Last evaluated: 2015-07-29. Review status: criteria provided, single submitter. Criteria: EGL Classification Definitions 2015. Collection method: clinical testing. Allele origin: germline. Observed: 1 variant allele, 1 heterozygote.

Ambry Genetics
Classification: Uncertain significance for Cardiovascular phenotype. Last evaluated: 2013-05-20. Review status: criteria provided, single submitter. Criteria: Ambry Autosomal Dominant and X-Linked criteria (10/2015). Collection method: clinical testing. Allele origin: germline. Observed: 1 variant allele.
Comment: There is insufficient or conflicting evidence for classification of this alteration.

Laboratory for Molecular Medicine, Mass General Brigham Personalized Medicine
Classification: Likely benign. Last evaluated: 2012-04-18. Review status: criteria provided, single submitter. Criteria: LMM Criteria. Collection method: clinical testing. Allele origin: germline. Observed: 2 variant alleles.
Comment: Thr9485Met in exon 123 of TTN: This variant is not expected to have clinical sig nificance because it has been identified in 0.4% (11/3076) of African American c hromosomes from a broad population by the NHLBI Exome Sequencing Project (dbSNP rs115119858). Thr9485Met in exon 123 of TTN ( rs115119858; allele frequency = 0.4%, 11/3076) **

PreventionGenetics, part of Exact Sciences
Classification: Likely benign for TTN-related condition. Last evaluated: 2020-08-31. Review status: no assertion criteria provided. Collection method: clinical testing. Allele origin: germline. Not counted in ClinVar's aggregate classification.
Comment: This variant is classified as likely benign based on ACMG/AMP sequence variant interpretation guidelines (Richards et al. 2015 PMID: 25741868, with internal and published modifications).